The following is an entry in ClinVar:

ClinVar aggregate classification (germline): Uncertain significance (1 of 4 stars; one submission).

Conditions:
Nuclear pulverulent cataract (CTRCT2). Identifiers: MedGen C1852438, HP:0010698.

Submission:

Labcorp Genetics (formerly Invitae), Labcorp
Classification: Uncertain significance for Nuclear pulverulent cataract. Last evaluated: 2024-10-03. Review status: criteria provided, single submitter. Criteria: Invitae Variant Classification Sherloc (09022015). Collection method: clinical testing. Allele origin: germline.
Comment: This sequence change creates a premature translational stop signal (p.Gly41Alafs*62) in the CRYGC gene. While this is not anticipated to result in nonsense mediated decay, it is expected to disrupt the last 134 amino acid(s) of the CRYGC protein. This variant is not present in population databases (gnomAD no frequency). This variant has not been reported in the literature in individuals affected with CRYGC-related conditions. In summary, the available evidence is currently insufficient to determine the role of this variant in disease. Therefore, it has been classified as a Variant of Uncertain Significance.

NM_020989.4(CRYGC):c.122del (p.Gly41fs)

Genes: CRYGC (crystallin gamma C; minus strand), LOC100507443 (uncharacterized LOC100507443; plus strand). Cytogenetic location: 2q33.3.
Variant type: Deletion.
Coding change: c.122del on transcript NM_020989.4 (MANE Select); coding-DNA position 122, one base deleted (G; older notation c.122delG).
Protein change: p.Gly41fs; shifts the reading frame from glycine 41.
Molecular consequence: frameshift variant.
Genome position (GRCh38, 1-based): chr2:208,129,571, C deleted on the plus strand (G on the coding strand, the reverse complement: CRYGC is on the minus strand); the first of 2 consecutive C bases (chr2:208,129,571-208,129,572); deleting either gives the same sequence. VCF-style (leftmost placement, unchanged base first): chr2-208129570-GC-G. GRCh37 (hg19) VCF-style: chr2-208994294-GC-G.
Other names: short protein forms G41fs.
Identifiers: ClinVar variation 3722177 (VCV003722177.2).
Genomic context (GRCh38, chr2:208,129,570, plus strand): 5'-CCCTCGCCGCAGCAAGTATTGTTGACCTTGGTAGTTGGGACGCTCATAGAGCATCCAGCA[GC>G]CGCTCTCCACCCGGATGGAGTTGCAGCGGCTGAAATACGGCTGCAGGTTGGGGCAGTCAG-3'